The following is an entry in ClinVar:

ClinVar aggregate classification (germline): Uncertain significance (1 of 4 stars; one submission).

Submission:

GeneDx
Classification: Uncertain significance. Last evaluated: 2023-07-03. Review status: criteria provided, single submitter. Criteria: GeneDx Variant Classification Process June 2021. Collection method: clinical testing. Allele origin: germline. Affected: yes.
Comment: Not observed at significant frequency in large population cohorts (gnomAD); In silico analysis supports a deleterious effect on splicing; Has not been previously published as pathogenic or benign to our knowledge; Variants in candidate genes are classified as variants of uncertain significance in accordance with ACMG guidelines (Richards et al., 2015)

NM_001178015.2(SLC4A10):c.1997+4A>G

Gene: SLC4A10 (solute carrier family 4 member 10; plus strand). Cytogenetic location: 2q24.2.
Variant type: single nucleotide variant.
Coding change: c.1997+4A>G on transcript NM_001178015.2 (MANE Select); 4 bases into the intron after coding-DNA position 1997, A replaced by G.
Molecular consequence: intron variant.
Genome position (GRCh38, 1-based): chr2:161,905,891, A>G. VCF-style: chr2-161905891-A-G. GRCh37 (hg19) VCF-style: chr2-162762401-A-G.
Other names: c.2033+4A>G (NM_001354461.2, NM_001354460.2); c.1943+4A>G (NM_001354447.2, NM_001354443.2); c.2030+4A>G (NM_001354441.2, NM_001354442.2); c.1940+4A>G (NM_001178016.2, NM_001354445.2); c.1937+4A>G (NM_001354448.2); c.1328+4A>G (NM_001354455.2); c.1997+4A>G (NM_001354440.2); c.1907+4A>G (NM_022058.4, NM_001354450.2, NM_001354446.2); and 3 more.
Identifiers: ClinVar variation 3360567 (VCV003360567.1).